The following is an entry in ClinVar:

ClinVar aggregate classification (germline): Uncertain significance (1 of 4 stars; one submission).

Conditions:
Hypopigmentation, organomegaly, and delayed myelination and development. Identifiers: MedGen C5203300, MONDO:0032805, OMIM 618541.

Submission:

Centre for Mendelian Genomics, University Medical Centre Ljubljana
Classification: Uncertain significance for Hypopigmentation, organomegaly, and delayed myelination and development. Last evaluated: 2020-03-23. Review status: criteria provided, single submitter. Criteria: ACMG Guidelines, 2015. Collection method: clinical testing. Allele origin: unknown. Affected: yes.
Comment: This variant was classified as: Uncertain significance. The available evidence favors the pathogenic nature of this variant, however the currently available data is insufficient to conclusively support its pathogenic nature. Thus this variant is classified as Uncertain significance - favor pathogenic. The following ACMG criteria were applied in classifying this variant: PM2,PP3.

NM_001287.6(CLCN7):c.1688C>A (p.Thr563Lys)

Gene: CLCN7 (chloride voltage-gated channel 7; minus strand). Cytogenetic location: 16p13.3.
Variant type: single nucleotide variant.
Coding change: c.1688C>A on transcript NM_001287.6 (MANE Select); coding-DNA position 1688, C replaced by A.
Protein change: p.Thr563Lys; replaces threonine 563 with lysine.
Molecular consequence: missense variant.
Genome position (GRCh38, 1-based): chr16:1,449,075, G>T on the plus strand (C>A on the coding strand, the complement: CLCN7 is on the minus strand). VCF-style: chr16-1449075-G-T. GRCh37 (hg19) VCF-style: chr16-1499076-G-T.
Other names: c.1616C>A, p.Thr539Lys (NM_001114331.3); short protein forms T563K, T539K.
Identifiers: ClinVar variation 931350 (VCV000931350.3), dbSNP rs2038701269, ClinGen allele CA394186904.